The following is an entry in ClinVar:

ClinVar aggregate classification (germline): Uncertain significance (1 of 4 stars; one submission).

Allele frequency attached by ClinVar (database versions not stated): gnomAD 0.00001; TOPMed 0.00001; gnomAD exomes 0.00002 and 0.00003; ExAC 0.00004; ESP Exome Variant Server 0.00008.

Submission:

Labcorp Genetics (formerly Invitae), Labcorp
Classification: Uncertain significance. Last evaluated: 2025-05-25. Review status: criteria provided, single submitter. Criteria: Invitae Variant Classification Sherloc (09022015). Collection method: clinical testing. Allele origin: germline.
Comment: This sequence change replaces arginine, which is basic and polar, with glutamine, which is neutral and polar, at codon 434 of the DUOX2 protein (p.Arg434Gln). This variant is present in population databases (rs367994105, gnomAD 0.01%). This variant has not been reported in the literature in individuals affected with DUOX2-related conditions. ClinVar contains an entry for this variant (Variation ID: 1382088). Invitae Evidence Modeling of protein sequence and biophysical properties (such as structural, functional, and spatial information, amino acid conservation, physicochemical variation, residue mobility, and thermodynamic stability) indicates that this missense variant is expected to disrupt DUOX2 protein function with a positive predictive value of 80%. In summary, the available evidence is currently insufficient to determine the role of this variant in disease. Therefore, it has been classified as a Variant of Uncertain Significance.

NM_001363711.2(DUOX2):c.1301G>A (p.Arg434Gln)

Gene: DUOX2 (dual oxidase 2; minus strand). Cytogenetic location: 15q21.1.
Variant type: single nucleotide variant.
Coding change: c.1301G>A on transcript NM_001363711.2 (MANE Select); coding-DNA position 1301, G replaced by A.
Protein change: p.Arg434Gln; replaces arginine 434 with glutamine.
Molecular consequence: missense variant.
Genome position (GRCh38, 1-based): chr15:45,108,886, C>T on the plus strand (G>A on the coding strand, the complement: DUOX2 is on the minus strand). VCF-style: chr15-45108886-C-T. GRCh37 (hg19) VCF-style: chr15-45401084-C-T.
Other names: c.1301G>A, p.Arg434Gln (NM_014080.5); short protein forms R434Q.
Identifiers: ClinVar variation 1382088 (VCV001382088.7), dbSNP rs367994105, ClinGen allele CA7538664.